The following is an entry in ClinVar:

NM_133433.4(NIPBL):c.6574G>T (p.Ala2192Ser)

Gene: NIPBL (NIPBL cohesin loading factor; plus strand). Cytogenetic location: 5p13.2.
Variant type: single nucleotide variant.
Coding change: c.6574G>T on transcript NM_133433.4 (MANE Select); coding-DNA position 6574, G replaced by T.
Protein change: p.Ala2192Ser; replaces alanine 2192 with serine.
Molecular consequence: missense variant.
Genome position (GRCh38, 1-based): chr5:37,046,184, G>T. VCF-style: chr5-37046184-G-T. GRCh37 (hg19) VCF-style: chr5-37046286-G-T.
Other names: c.6574G>T, p.Ala2192Ser (NM_015384.5); short protein forms A2192S.
Identifiers: ClinVar variation 2048607 (VCV002048607.3), dbSNP rs1163409552, ClinGen allele CA359506299.

ClinVar aggregate classification (germline): Uncertain significance (1 of 4 stars; one submission).

Conditions:
Cornelia de Lange syndrome 1 (CDLS1). Also called: NIPBL-Related Cornelia de Lange Syndrome; Brachmann de Lange syndrome; TYPUS DEGENERATIVUS AMSTELODAMENSIS. Identifiers: Orphanet 199, MedGen C4551851, MONDO:0007387, OMIM 122470.

Allele frequency attached by ClinVar (database versions not stated): gnomAD exomes below 0.00001; TOPMed 0.00001.
gnomAD v4.1: 6 of 1,560,032 alleles (0.00038%); highest among the groups gnomAD compares: Non-Finnish European, 0.00053%; no homozygotes.

Submission:

Labcorp Genetics (formerly Invitae), Labcorp
Classification: Uncertain significance for Cornelia de Lange syndrome 1. Last evaluated: 2022-08-09. Review status: criteria provided, single submitter. Criteria: Invitae Variant Classification Sherloc (09022015). Collection method: clinical testing. Allele origin: germline.
Comment: This variant has not been reported in the literature in individuals affected with NIPBL-related conditions. This sequence change replaces alanine, which is neutral and non-polar, with serine, which is neutral and polar, at codon 2192 of the NIPBL protein (p.Ala2192Ser). This variant is present in population databases (no rsID available, gnomAD 0.0009%). Advanced modeling of protein sequence and biophysical properties (such as structural, functional, and spatial information, amino acid conservation, physicochemical variation, residue mobility, and thermodynamic stability) performed at Invitae indicates that this missense variant is expected to disrupt NIPBL protein function. In summary, the available evidence is currently insufficient to determine the role of this variant in disease. Therefore, it has been classified as a Variant of Uncertain Significance.